The following is an entry in ClinVar:

ClinVar aggregate classification (germline): Conflicting classifications of pathogenicity. Review status: criteria provided, conflicting classifications (1 of 4 stars). 2 submissions from 2 submitters: Uncertain significance (1); Likely benign (1). Last evaluated 2025-07-16.

Conditions:
Gastrointestinal stromal tumor. Also called: Gastrointestinal stromal tumor, somatic; Gastrointestinal stroma tumor. Identifiers: Orphanet 44890, MedGen C0238198, MeSH D046152, MONDO:0011719, OMIM 606764, HP:0100723.
Hereditary cancer-predisposing syndrome. Also called: Tumor predisposition; Neoplastic Syndromes, Hereditary; Hereditary neoplastic syndrome; Hereditary Cancer Syndrome. Identifiers: Orphanet 140162, MedGen C0027672, MeSH D009386, MONDO:0015356.

Allele frequency attached by ClinVar (database versions not stated): gnomAD exomes below 0.00001; ExAC 0.00001.
gnomAD v4.1: 3 of 1,614,180 alleles (0.00019%); highest among the groups gnomAD compares: East Asian, 0.0022%; no homozygotes.

Submissions (2):

Ambry Genetics
Classification: Likely benign for Hereditary cancer-predisposing syndrome. Last evaluated: 2025-07-16. Review status: criteria provided, single submitter. Criteria: Ambry Variant Classification Scheme 2023. Collection method: clinical testing. Allele origin: germline.

Labcorp Genetics (formerly Invitae), Labcorp
Classification: Uncertain significance for Gastrointestinal stromal tumor. Last evaluated: 2023-12-15. Review status: criteria provided, single submitter. Criteria: Invitae Variant Classification Sherloc (09022015). Collection method: clinical testing. Allele origin: germline.
Comment: This sequence change replaces methionine, which is neutral and non-polar, with isoleucine, which is neutral and non-polar, at codon 535 of the KIT protein (p.Met535Ile). This variant is present in population databases (rs764493206, gnomAD 0.0009%). This variant has not been reported in the literature in individuals affected with KIT-related conditions. ClinVar contains an entry for this variant (Variation ID: 1057195). Algorithms developed to predict the effect of missense changes on protein structure and function output the following: SIFT: "Not Available"; PolyPhen-2: "Benign"; Align-GVGD: "Not Available". The isoleucine amino acid residue is found in multiple mammalian species, which suggests that this missense change does not adversely affect protein function. In summary, the available evidence is currently insufficient to determine the role of this variant in disease. Therefore, it has been classified as a Variant of Uncertain Significance.

NM_000222.3(KIT):c.1605G>A (p.Met535Ile)

Gene: KIT (KIT proto-oncogene, receptor tyrosine kinase; plus strand). Cytogenetic location: 4q12.
Variant type: single nucleotide variant.
Coding change: c.1605G>A on transcript NM_000222.3 (MANE Select); coding-DNA position 1605, G replaced by A.
Protein change: p.Met535Ile; replaces methionine 535 with isoleucine.
Molecular consequence: missense variant.
Genome position (GRCh38, 1-based): chr4:54,727,282, G>A. VCF-style: chr4-54727282-G-A. GRCh37 (hg19) VCF-style: chr4-55593448-G-A.
Other names: c.1605G>A (NM_000222.2); c.1593G>A, p.Met531Ile (NM_001093772.2, NM_001385286.1); c.1608G>A, p.Met536Ile (NM_001385284.1, NM_001385290.1); c.1605G>A, p.Met535Ile (NM_001385285.1); c.1596G>A, p.Met532Ile (NM_001385288.1, NM_001385292.1); short protein forms M531I, M532I, M535I, M536I.
Identifiers: ClinVar variation 1057195 (VCV001057195.18), dbSNP rs764493206, ClinGen allele CA2923531.